The following is an entry in ClinVar:

ClinVar aggregate classification (germline): Uncertain significance. Review status: criteria provided, multiple submitters, no conflicts (2 of 4 stars). 2 submissions from 2 submitters: Uncertain significance (2). Last evaluated 2024-12-23.

Allele frequency attached by ClinVar (database versions not stated): gnomAD 0.00005 and 0.00007.
gnomAD v4.1: 33 of 1,609,140 alleles (0.0021%); highest among the groups gnomAD compares: East Asian, 0.018%; no homozygotes.

Submissions (2):

GeneDx
Classification: Uncertain significance. Last evaluated: 2024-12-23. Review status: criteria provided, single submitter. Criteria: GeneDx Variant Classification Process June 2021. Collection method: clinical testing. Allele origin: germline. Affected: yes.
Comment: Identified in an individual with a neurodevelopmental disorder, however detailed clinical and segregation information was not provided (PMID: 28191889); Not observed at significant frequency in large population cohorts (gnomAD); In silico analysis supports that this missense variant has a deleterious effect on protein structure/function; This variant is associated with the following publications: (PMID: 28191889)

Labcorp Genetics (formerly Invitae), Labcorp
Classification: Uncertain significance. Last evaluated: 2024-01-16. Review status: criteria provided, single submitter. Criteria: Invitae Variant Classification Sherloc (09022015). Collection method: clinical testing. Allele origin: germline.
Comment: This sequence change replaces arginine, which is basic and polar, with tryptophan, which is neutral and slightly polar, at codon 915 of the LAMC3 protein (p.Arg915Trp). This variant is present in population databases (rs761037173, gnomAD 0.008%). This missense change has been observed in individual(s) with neurodevelopmental disorder (PMID: 28191889). ClinVar contains an entry for this variant (Variation ID: 1345757). An algorithm developed to predict the effect of missense changes on protein structure and function (PolyPhen-2) suggests that this variant is likely to be disruptive. In summary, the available evidence is currently insufficient to determine the role of this variant in disease. Therefore, it has been classified as a Variant of Uncertain Significance.

Literature cited by the submitters: PubMed 28191889 (cited by Labcorp Genetics (formerly Invitae), Labcorp).

NM_006059.4(LAMC3):c.2743C>T (p.Arg915Trp)

Gene: LAMC3 (laminin subunit gamma 3; plus strand). Cytogenetic location: 9q34.12.
Variant type: single nucleotide variant.
Coding change: c.2743C>T on transcript NM_006059.4 (MANE Select); coding-DNA position 2743, C replaced by T.
Protein change: p.Arg915Trp; replaces arginine 915 with tryptophan.
Molecular consequence: missense variant.
Genome position (GRCh38, 1-based): chr9:131,068,227, C>T. VCF-style: chr9-131068227-C-T. GRCh37 (hg19) VCF-style: chr9-133943614-C-T.
Other names: c.2743C>T (NM_006059.3); short protein forms R915W.
Identifiers: ClinVar variation 1345757 (VCV001345757.5), dbSNP rs761037173, ClinGen allele CA5287549.